The following is an entry in ClinVar:

ClinVar aggregate classification (germline): Uncertain significance (1 of 4 stars; one submission).

Allele frequency attached by ClinVar (database versions not stated): gnomAD exomes below 0.00001.

Submission:

GeneDx
Classification: Uncertain significance. Last evaluated: 2022-06-06. Review status: criteria provided, single submitter. Criteria: GeneDx Variant Classification Process June 2021. Collection method: clinical testing. Allele origin: germline. Affected: yes.
Comment: Not observed in large population cohorts (gnomAD); In silico analysis supports that this missense variant does not alter protein structure/function; Has not been previously published as pathogenic or benign to our knowledge

NM_001042681.2(RERE):c.2533C>T (p.Pro845Ser)

Gene: RERE (arginine-glutamic acid dipeptide repeats; minus strand). Cytogenetic location: 1p36.23.
Variant type: single nucleotide variant.
Coding change: c.2533C>T on transcript NM_001042681.2 (MANE Select); coding-DNA position 2533, C replaced by T.
Protein change: p.Pro845Ser; replaces proline 845 with serine.
Molecular consequence: missense variant.
Genome position (GRCh38, 1-based): chr1:8,360,974, G>A on the plus strand (C>T on the coding strand, the complement: RERE is on the minus strand). VCF-style: chr1-8360974-G-A. GRCh37 (hg19) VCF-style: chr1-8421034-G-A.
Other names: c.871C>T, p.Pro291Ser (NM_001042682.2); c.2533C>T, p.Pro845Ser (NM_012102.4); short protein forms P291S, P845S.
Identifiers: ClinVar variation 1693349 (VCV001693349.2), dbSNP rs2124367994, ClinGen allele CA338172426.